The following is an entry in ClinVar:

NM_001378120.1(MBD5):c.1873C>T (p.Pro625Ser)

Gene: MBD5 (methyl-CpG binding domain protein 5; plus strand). Cytogenetic location: 2q23.1.
Variant type: single nucleotide variant.
Coding change: c.1873C>T on transcript NM_001378120.1 (MANE Select); coding-DNA position 1873, C replaced by T.
Protein change: p.Pro625Ser; replaces proline 625 with serine.
Molecular consequence: missense variant.
Genome position (GRCh38, 1-based): chr2:148,469,816, C>T. VCF-style: chr2-148469816-C-T. GRCh37 (hg19) VCF-style: chr2-149227385-C-T.
Other names: c.1873C>T, p.Pro625Ser (NM_018328.5); short protein forms P625S.
Identifiers: ClinVar variation 1009335 (VCV001009335.9), dbSNP rs749574412, ClinGen allele CA1900073.

ClinVar aggregate classification (germline): Uncertain significance (1 of 4 stars; one submission).

Conditions:
Intellectual developmental disorder, autosomal dominant 1. Also called: Intellectual disability, autosomal dominant 1; MBD5 Haploinsufficiency. Identifiers: Orphanet 228402, MedGen C1969562, MONDO:0007974, OMIM 156200.

Allele frequency attached by ClinVar (database versions not stated): TOPMed below 0.00001; ExAC 0.00003; gnomAD exomes 0.00001 and 0.00002.
gnomAD v4.1: 4 of 1,613,928 alleles (0.00025%); highest among the groups gnomAD compares: South Asian, 0.0022%; no homozygotes.

Submission:

Labcorp Genetics (formerly Invitae), Labcorp
Classification: Uncertain significance for Intellectual developmental disorder, autosomal dominant 1. Last evaluated: 2020-06-22. Review status: criteria provided, single submitter. Criteria: Invitae Variant Classification Sherloc (09022015). Collection method: clinical testing. Allele origin: germline.
Comment: In summary, the available evidence is currently insufficient to determine the role of this variant in disease. Therefore, it has been classified as a Variant of Uncertain Significance. Algorithms developed to predict the effect of missense changes on protein structure and function are either unavailable or do not agree on the potential impact of this missense change (SIFT: "Tolerated"; PolyPhen-2: "Possibly Damaging"; Align-GVGD: "Class C15"). This variant has not been reported in the literature in individuals with MBD5-related conditions. This variant is present in population databases (rs749574412, ExAC 0.02%). This sequence change replaces proline with serine at codon 625 of the MBD5 protein (p.Pro625Ser). The proline residue is highly conserved and there is a moderate physicochemical difference between proline and serine.